The following is an entry in ClinVar:

NM_001267550.2(TTN):c.81447T>A (p.Ala27149=)

Genes: TTN (titin; minus strand), TTN-AS1 (TTN antisense RNA 1; plus strand). Cytogenetic location: 2q31.2.
Variant type: single nucleotide variant.
Coding change: c.81447T>A on transcript NM_001267550.2 (MANE Select); coding-DNA position 81447, T replaced by A.
Protein change: p.Ala27149=; no amino-acid change (alanine 27149 retained).
Molecular consequence: synonymous variant.
Genome position (GRCh38, 1-based): chr2:178,564,685, A>T on the plus strand (T>A on the coding strand, the complement: TTN is on the minus strand). VCF-style: chr2-178564685-A-T. GRCh37 (hg19) VCF-style: chr2-179429412-A-T.
Other names: p.Ala25508=; c.76524T>A, p.Ala25508= (NM_001256850.1); c.54252T>A, p.Ala18084= (NM_003319.4); c.73743T>A, p.Ala24581= (NM_133378.4); c.54627T>A, p.Ala18209= (NM_133432.3); c.54828T>A, p.Ala18276= (NM_133437.4).
Identifiers: ClinVar variation 4684609 (VCV004684609.2).

ClinVar aggregate classification (germline): Likely benign. Review status: criteria provided, multiple submitters, no conflicts (2 of 4 stars). 2 submissions from 2 submitters: Likely benign (2). Last evaluated 2026-01-18.

Conditions:
Autosomal recessive limb-girdle muscular dystrophy type 2J (LGMDR10). Also called: MUSCULAR DYSTROPHY, LIMB-GIRDLE, AUTOSOMAL RECESSIVE 10; Limb-girdle muscular dystrophy, type 2J. Identifiers: Orphanet 140922, MedGen C1837342, MONDO:0012127, OMIM 608807.
Dilated cardiomyopathy 1G (CMD1G). Identifiers: Orphanet 154, MedGen C1858763, MONDO:0011400, OMIM 604145.

Submissions (2):

Labcorp Genetics (formerly Invitae), Labcorp
Classification: Likely benign for Dilated cardiomyopathy 1G; Autosomal recessive limb-girdle muscular dystrophy type 2J. Last evaluated: 2026-01-18. Review status: criteria provided, single submitter. Criteria: Invitae Variant Classification Sherloc (09022015). Collection method: clinical testing. Allele origin: germline.

Mayo Clinic Laboratories, Mayo Clinic
Classification: Likely benign. Last evaluated: 2025-09-19. Review status: criteria provided, single submitter. Criteria: ACMG Guidelines, 2015. Collection method: clinical testing. Allele origin: germline. Observed: 1 variant allele.
Comment: BP4, BP7, PM2_supporting